The following is an entry in ClinVar:

ClinVar aggregate classification (germline): Likely benign (1 of 4 stars; one submission).

gnomAD v4.1: 2,975 of 1,026,576 alleles (0.29%); highest among the groups gnomAD compares: Middle Eastern, 0.38%; 219 homozygotes.

Submissions (23):

CeGaT Center for Human Genetics Tuebingen
Classification: Likely benign. Last evaluated: 2025-09-01. Review status: criteria provided, single submitter. Criteria: CeGaT Center For Human Genetics Tuebingen Variant Classification Criteria Version 2. Collection method: clinical testing. Allele origin: germline. Affected: yes. Observed: 1 variant allele.
Comment: HLA-B: BP4, BS2

Dr. Peter K. Rogan Lab, Western University
No classification provided (evidence only). Condition: Malignant tumor of urinary bladder. Review status: no classification provided. Collection method: in vitro. Allele origin: not applicable. Functional consequence: retained intron. Not counted in ClinVar's aggregate classification.

Dr. Peter K. Rogan Lab, Western University
No classification provided (evidence only). Condition: Malignant tumor of urinary bladder. Review status: no classification provided. Collection method: in vitro. Allele origin: not applicable. Functional consequence: retained intron. Not counted in ClinVar's aggregate classification.

Dr. Peter K. Rogan Lab, Western University
No classification provided (evidence only). Condition: Malignant tumor of urinary bladder. Review status: no classification provided. Collection method: in vitro. Allele origin: not applicable. Functional consequence: retained intron. Not counted in ClinVar's aggregate classification.

Dr. Peter K. Rogan Lab, Western University
No classification provided (evidence only). Condition: Lung cancer. Review status: no classification provided. Collection method: in vitro. Allele origin: not applicable. Functional consequence: retained intron. Not counted in ClinVar's aggregate classification.

Dr. Peter K. Rogan Lab, Western University
No classification provided (evidence only). Condition: Lung cancer. Review status: no classification provided. Collection method: in vitro. Allele origin: not applicable. Functional consequence: retained intron. Not counted in ClinVar's aggregate classification.

Dr. Peter K. Rogan Lab, Western University
No classification provided (evidence only). Condition: Familial cancer of breast. Review status: no classification provided. Collection method: in vitro. Allele origin: not applicable. Functional consequence: retained intron. Not counted in ClinVar's aggregate classification.

Dr. Peter K. Rogan Lab, Western University
No classification provided (evidence only). Condition: Familial cancer of breast. Review status: no classification provided. Collection method: in vitro. Allele origin: not applicable. Functional consequence: retained intron. Not counted in ClinVar's aggregate classification.

Dr. Peter K. Rogan Lab, Western University
No classification provided (evidence only). Condition: Familial cancer of breast. Review status: no classification provided. Collection method: in vitro. Allele origin: not applicable. Functional consequence: retained intron. Not counted in ClinVar's aggregate classification.

Dr. Peter K. Rogan Lab, Western University
No classification provided (evidence only). Condition: Acute myeloid leukemia. Review status: no classification provided. Collection method: in vitro. Allele origin: not applicable. Functional consequence: retained intron. Not counted in ClinVar's aggregate classification.

Dr. Peter K. Rogan Lab, Western University
No classification provided (evidence only). Condition: Colon adenocarcinoma. Review status: no classification provided. Collection method: in vitro. Allele origin: not applicable. Functional consequence: retained intron. Not counted in ClinVar's aggregate classification.

Dr. Peter K. Rogan Lab, Western University
No classification provided (evidence only). Condition: Colorectal cancer. Review status: no classification provided. Collection method: in vitro. Allele origin: not applicable. Functional consequence: retained intron. Not counted in ClinVar's aggregate classification.

Dr. Peter K. Rogan Lab, Western University
No classification provided (evidence only). Condition: Thyroid cancer, nonmedullary, 1. Review status: no classification provided. Collection method: in vitro. Allele origin: not applicable. Functional consequence: retained intron. Not counted in ClinVar's aggregate classification.

Dr. Peter K. Rogan Lab, Western University
No classification provided (evidence only). Condition: Thyroid cancer, nonmedullary, 1. Review status: no classification provided. Collection method: in vitro. Allele origin: not applicable. Functional consequence: retained intron. Not counted in ClinVar's aggregate classification.

Dr. Peter K. Rogan Lab, Western University
No classification provided (evidence only). Condition: Uterine corpus endometrial carcinoma. Review status: no classification provided. Collection method: in vitro. Allele origin: not applicable. Functional consequence: retained intron. Not counted in ClinVar's aggregate classification.

Dr. Peter K. Rogan Lab, Western University
No classification provided (evidence only). Condition: Sarcoma. Review status: no classification provided. Collection method: in vitro. Allele origin: not applicable. Functional consequence: retained intron. Not counted in ClinVar's aggregate classification.

Dr. Peter K. Rogan Lab, Western University
No classification provided (evidence only). Condition: Hepatocellular carcinoma. Review status: no classification provided. Collection method: in vitro. Allele origin: not applicable. Functional consequence: retained intron. Not counted in ClinVar's aggregate classification.

Dr. Peter K. Rogan Lab, Western University
No classification provided (evidence only). Condition: Hepatocellular carcinoma. Review status: no classification provided. Collection method: in vitro. Allele origin: not applicable. Functional consequence: retained intron. Not counted in ClinVar's aggregate classification.

Dr. Peter K. Rogan Lab, Western University
No classification provided (evidence only). Condition: Thymoma. Review status: no classification provided. Collection method: in vitro. Allele origin: not applicable. Functional consequence: retained intron. Not counted in ClinVar's aggregate classification.

Dr. Peter K. Rogan Lab, Western University
No classification provided (evidence only). Condition: Ovarian serous cystadenocarcinoma. Review status: no classification provided. Collection method: in vitro. Allele origin: not applicable. Functional consequence: retained intron. Not counted in ClinVar's aggregate classification.

Dr. Peter K. Rogan Lab, Western University
No classification provided (evidence only). Condition: Ovarian serous cystadenocarcinoma. Review status: no classification provided. Collection method: in vitro. Allele origin: not applicable. Functional consequence: retained intron. Not counted in ClinVar's aggregate classification.

Dr. Peter K. Rogan Lab, Western University
No classification provided (evidence only). Condition: Gastric cancer. Review status: no classification provided. Collection method: in vitro. Allele origin: not applicable. Functional consequence: retained intron. Not counted in ClinVar's aggregate classification.

Dr. Peter K. Rogan Lab, Western University
No classification provided (evidence only). Condition: Malignant tumor of esophagus. Review status: no classification provided. Collection method: in vitro. Allele origin: not applicable. Functional consequence: retained intron. Not counted in ClinVar's aggregate classification.

NM_005514.8(HLA-B):c.991A>G (p.Met331Val)

Gene: HLA-B (major histocompatibility complex, class I, B; minus strand). Cytogenetic location: 6p21.33.
Variant type: single nucleotide variant.
Coding change: c.991A>G on transcript NM_005514.8 (MANE Select); coding-DNA position 991, A replaced by G.
Protein change: p.Met331Val; replaces methionine 331 with valine.
Molecular consequence: missense variant.
Genome position (GRCh38, 1-based): chr6:31,355,128, T>C on the plus strand (A>G on the coding strand, the complement: HLA-B is on the minus strand). VCF-style: chr6-31355128-T-C. GRCh37 (hg19) VCF-style: chr6-31322905-T-C.
Other names: NC_000006.11:g.31322905T>C; short protein forms M331V.
Identifiers: ClinVar variation 4083744 (VCV004083744.9).
Genomic context (GRCh38, chr6:31,355,128, plus strand): 5'-ACAAGAAAACCCAGACCCCACCCCTCACCCCTTCCCTACCTGAACTCTTCCTCCTACACA[T>C]CACAGCAGCGACCACAGCTCCGATGACCACAACTGCTAGGACAGCCAGGCCAGCAACAAT-3'
Protein context (NP_005505.2, residues 321-341): VVIGAVVAAV[Met331Val]CRRKSSGGKG